The following is an entry in ClinVar:

NM_005255.4(GAK):c.2359G>T (p.Asp787Tyr)

Gene: GAK (cyclin G associated kinase; minus strand). Cytogenetic location: 4p16.3.
Variant type: single nucleotide variant.
Coding change: c.2359G>T on transcript NM_005255.4 (MANE Select); coding-DNA position 2359, G replaced by T.
Protein change: p.Asp787Tyr; replaces aspartic acid 787 with tyrosine.
Molecular consequence: missense variant.
Genome position (GRCh38, 1-based): chr4:868,575, C>A on the plus strand (G>T on the coding strand, the complement: GAK is on the minus strand). VCF-style: chr4-868575-C-A. GRCh37 (hg19) VCF-style: chr4-862363-C-A.
Other names: c.2122G>T, p.Asp708Tyr (NM_001318134.2); short protein forms D708Y, D787Y.
Identifiers: ClinVar variation 2654531 (VCV002654531.24), dbSNP rs34585705, ClinGen allele CA2797829.

ClinVar aggregate classification (germline): Benign (1 of 4 stars; one submission).

Allele frequency attached by ClinVar (database versions not stated): 1000 Genomes Project 0.00379; 1000 Genomes Project 30x 0.00422; gnomAD 0.00826; TOPMed 0.00841; ESP Exome Variant Server 0.01054; gnomAD exomes 0.01226; ExAC 0.01317.
gnomAD v4.1: 18,963 of 1,606,950 alleles (1.2%); highest among the groups gnomAD compares: Middle Eastern, 2.2%; 149 homozygotes.

Submission:

CeGaT Center for Human Genetics Tuebingen
Classification: Benign. Last evaluated: 2023-01-01. Review status: criteria provided, single submitter. Criteria: CeGaT Center For Human Genetics Tuebingen Variant Classification Criteria Version 2. Collection method: clinical testing. Allele origin: germline. Affected: yes. Observed: 1 variant allele.
Comment: GAK: BP4, BS1, BS2